The following is an entry in ClinVar:

ClinVar aggregate classification (germline): Likely benign. Review status: criteria provided, multiple submitters, no conflicts (2 of 4 stars). 3 submissions from 3 submitters: Likely benign (3). Last evaluated 2026-01-12.

Allele frequency attached by ClinVar (database versions not stated): gnomAD exomes 0.00003; ExAC 0.00011; 1000 Genomes Project 30x 0.00016; ESP Exome Variant Server 0.00016; gnomAD 0.00019; 1000 Genomes Project 0.00020; TOPMed 0.00025.
gnomAD v4.1: 74 of 1,565,908 alleles (0.0047%); highest among the groups gnomAD compares: African/African-American, 0.061%; no homozygotes.

Submissions (3):

Labcorp Genetics (formerly Invitae), Labcorp
Classification: Likely benign. Last evaluated: 2026-01-12. Review status: criteria provided, single submitter. Criteria: Invitae Variant Classification Sherloc (09022015). Collection method: clinical testing. Allele origin: germline.

Blueprint Genetics
Classification: Likely benign. Last evaluated: 2024-11-04. Review status: criteria provided, single submitter. Criteria: ACMG Guidelines, 2015. Collection method: clinical testing. Allele origin: germline.

CeGaT Center for Human Genetics Tuebingen
Classification: Likely benign. Last evaluated: 2022-04-01. Review status: criteria provided, single submitter. Criteria: CeGaT Center For Human Genetics Tuebingen Variant Classification Criteria Version 2. Collection method: clinical testing. Allele origin: germline. Affected: yes. Observed: 1 variant allele.
Comment: CACNA1B: BP4, BP7

NM_000718.4(CACNA1B):c.2085C>T (p.Phe695=)

Gene: CACNA1B (calcium voltage-gated channel subunit alpha1 B; plus strand). Cytogenetic location: 9q34.3.
Variant type: single nucleotide variant.
Coding change: c.2085C>T on transcript NM_000718.4 (MANE Select); coding-DNA position 2085, C replaced by T.
Protein change: p.Phe695=; no amino-acid change (phenylalanine 695 retained).
Molecular consequence: synonymous variant.
Genome position (GRCh38, 1-based): chr9:138,006,877, C>T. VCF-style: chr9-138006877-C-T. GRCh37 (hg19) VCF-style: chr9-140901329-C-T.
Other names: c.2085C>T, p.Phe695= (NM_001243812.2).
Identifiers: ClinVar variation 2420577 (VCV002420577.32), dbSNP rs201062476, ClinGen allele CA5376361.
Genomic context (GRCh38, chr9:138,006,877, plus strand): 5'-GCAAGGCGGCGTCAGCAAAGGCATGTTCTCGTCCTTTTACTTCATTGTCCTGACACTGTT[C>T]GGAAACTGTATCCTTCTGTGGGGCTGGGGCAGAGGGTGGTCAGTGCTTGGCCCTCCTCTT-3'
Protein context (NP_000709.1, residues 685-705): SSFYFIVLTL[Phe695=]GNYTLLNVFL